The following is an entry in ClinVar:

NM_182961.4(SYNE1):c.16313C>T (p.Ala5438Val)

Gene: SYNE1 (spectrin repeat containing nuclear envelope protein 1; minus strand). Cytogenetic location: 6q25.2.
Variant type: single nucleotide variant.
Coding change: c.16313C>T on transcript NM_182961.4 (MANE Select); coding-DNA position 16313, C replaced by T.
Protein change: p.Ala5438Val; replaces alanine 5438 with valine.
Molecular consequence: missense variant.
Genome position (GRCh38, 1-based): chr6:152,318,939, G>A on the plus strand (C>T on the coding strand, the complement: SYNE1 is on the minus strand). VCF-style: chr6-152318939-G-A. GRCh37 (hg19) VCF-style: chr6-152640074-G-A.
Other names: c.16100C>T, p.Ala5367Val (NM_033071.5); c.16100C>T (NM_033071.3); short protein forms A5367V, A5438V.
Identifiers: ClinVar variation 500170 (VCV000500170.13), dbSNP rs1229397934, ClinGen allele CA366113470.

ClinVar aggregate classification (germline): Uncertain significance. Review status: criteria provided, multiple submitters, no conflicts (2 of 4 stars). 3 submissions from 3 submitters: Uncertain significance (3). Last evaluated 2025-04-30.

Conditions:
Emery-Dreifuss muscular dystrophy 4, autosomal dominant (EDMD4). Also called: EMERY-DREIFUSS MUSCULAR DYSTROPHY 4 WITH VARIABLE FEATURES. Identifiers: Orphanet 261, MedGen C2751807, MONDO:0013071, OMIM 612998.
Autosomal recessive ataxia, Beauce type. Also called: SYNE1 Deficiency; Spinocerebellar ataxia, autosomal recessive 8; ATAXIA, RECESSIVE, OF BEAUCE; SYNE1-Related Autosomal Recessive Cerebellar Ataxia. Identifiers: Orphanet 88644, MedGen C1853116, MONDO:0012549, OMIM 610743.

Allele frequency attached by ClinVar (database versions not stated): gnomAD exomes below 0.00001 and 0.00001; TOPMed below 0.00001; gnomAD 0.00001.
gnomAD v4.1: 5 of 1,614,044 alleles (0.00031%); highest among the groups gnomAD compares: Admixed American, 0.005%; no homozygotes.

Submissions (3):

GeneDx
Classification: Uncertain significance. Last evaluated: 2025-04-30. Review status: criteria provided, single submitter. Criteria: GeneDx Variant Classification Process June 2021. Collection method: clinical testing. Allele origin: germline. Affected: yes.
Comment: Not observed at significant frequency in large population cohorts (gnomAD); In silico analysis suggests that this missense variant does not alter protein structure/function; Has not been previously published as pathogenic or benign to our knowledge

Labcorp Genetics (formerly Invitae), Labcorp
Classification: Uncertain significance for Emery-Dreifuss muscular dystrophy 4, autosomal dominant; Autosomal recessive ataxia, Beauce type. Last evaluated: 2020-11-10. Review status: criteria provided, single submitter. Criteria: Invitae Variant Classification Sherloc (09022015). Collection method: clinical testing. Allele origin: germline.
Comment: Algorithms developed to predict the effect of missense changes on protein structure and function are either unavailable or do not agree on the potential impact of this missense change (SIFT: "Deleterious"; PolyPhen-2: "Benign"; Align-GVGD: "Class C0"). In summary, the available evidence is currently insufficient to determine the role of this variant in disease. Therefore, it has been classified as a Variant of Uncertain Significance. This variant has not been reported in the literature in individuals with SYNE1-related conditions. ClinVar contains an entry for this variant (Variation ID: 500170). This variant is not present in population databases (ExAC no frequency). This sequence change replaces alanine with valine at codon 5367 of the SYNE1 protein (p.Ala5367Val). The alanine residue is highly conserved and there is a small physicochemical difference between alanine and valine.

Eurofins Ntd Llc (ga)
Classification: Uncertain significance. Last evaluated: 2017-01-30. Review status: criteria provided, single submitter. Criteria: EGL Classification Definitions 2015. Collection method: clinical testing. Allele origin: germline. Observed: 1 variant allele, 1 heterozygote.